The following is an entry in ClinVar:

ClinVar aggregate classification (germline): Pathogenic (1 of 4 stars; one submission).

Conditions:
Hereditary insensitivity to pain with anhidrosis (CIPA). Also called: FAMILIAL DYSAUTONOMIA, TYPE II; HSAN Type IV; hereditary sensory and autonomic neuropathy type 4; NEUROPATHY, CONGENITAL SENSORY, WITH ANHIDROSIS; NTRK1 Congenital Insensitivity to Pain with Anhidrosis; INSENSITIVITY TO PAIN, CONGENITAL, WITH ANHIDROSIS. Identifiers: Orphanet 642, MedGen C0020074, MONDO:0009746, OMIM 256800.

Submission:

Myriad Genetics, Inc.
Classification: Pathogenic for Hereditary insensitivity to pain with anhidrosis. Last evaluated: 2026-08-17. Review status: criteria provided, single submitter. Criteria: Myriad Autosomal Dominant, Autosomal Recessive and X-Linked Classification Criteria (2023). Collection method: clinical testing. Allele origin: unknown.
Comment: NM_002529.3(NTRK1):c.1753delC(L585Cfs*73) is a frameshift variant classified as pathogenic in the context of congenital insensitivity to pain with anhidrosis, NTRK1-related. L585Cfs*73 has not been observed in cases with relevant disease. Relevant functional assessments of this variant are not available in the literature. L585Cfs*73 has not been observed in referenced population frequency databases. In summary, NM_002529.3(NTRK1):c.1753delC(L585Cfs*73) is a frameshift variant in a gene where loss of function is a known mechanism of disease and is predicted to disrupt protein function. Please note: this variant was assessed in the context of healthy population screening.

NM_002529.4(NTRK1):c.1753del (p.Leu585fs)

Gene: NTRK1 (neurotrophic receptor tyrosine kinase 1; plus strand). Cytogenetic location: 1q23.1.
Variant type: Deletion.
Coding change: c.1753del on transcript NM_002529.4 (MANE Select); coding-DNA position 1753, one base deleted (C; older notation c.1753delC).
Protein change: p.Leu585fs; shifts the reading frame from leucine 585.
Molecular consequence: frameshift variant.
Genome position (GRCh38, 1-based): chr1:156,876,520, C deleted; the last of 5 consecutive C bases (chr1:156,876,516-156,876,520); deleting any one gives the same sequence. VCF-style (leftmost placement, unchanged base first): chr1-156876515-GC-G. GRCh37 (hg19) VCF-style: chr1-156846307-GC-G.
Other names: c.1645del, p.Leu549fs (NM_001007792.1); c.1735del, p.Leu579fs (NM_001012331.2); short protein forms L549fs, L585fs, L579fs.
Identifiers: ClinVar variation 5003747 (VCV005003747.1), dbSNP rs200008715.
Genomic context (GRCh38, chr1:156,876,515, plus strand): 5'-TGCTCACCATGCTGCAGCACCAGCACATCGTGCGCTTCTTCGGCGTCTGCACCGAGGGCC[GC>G]CCCCTGCTCATGGTCTTTGAGTATATGCGGCACGGGGACCTCAACCGCTTCCTCCGGTAC-3'